The following is an entry in ClinVar:

NM_006133.3(DAGLA):c.2389_2410del (p.Ser797fs)

Gene: DAGLA (diacylglycerol lipase alpha; plus strand). Cytogenetic location: 11q12.2.
Variant type: Deletion.
Coding change: c.2389_2410del on transcript NM_006133.3 (MANE Select); coding-DNA positions 2389 to 2410, 22 bases deleted (TCCTCAGGCTTCCGCAGCATCC).
Protein change: p.Ser797fs; shifts the reading frame from serine 797.
Molecular consequence: frameshift variant.
Genome position (GRCh38, 1-based): chr11:61,743,749-61,743,770, TCCTCAGGCTTCCGCAGCATCC deleted; deleting any 22 consecutive bases within chr11:61,743,748-61,743,770 gives the same sequence; the c. name uses the placement nearest the transcript's 3' end. VCF-style (leftmost placement, unchanged base first): chr11-61743747-GCTCCTCAGGCTTCCGCAGCATC-G. GRCh37 (hg19) VCF-style: chr11-61511219-GCTCCTCAGGCTTCCGCAGCATC-G.
Other names: short protein forms S797fs.
Identifiers: ClinVar variation 4616926 (VCV004616926.1).

ClinVar aggregate classification (germline): Likely pathogenic (1 of 4 stars; one submission).

Conditions:
Inborn genetic diseases. Identifiers: MedGen C0950123, MeSH D030342.

Submission:

Ambry Genetics
Classification: Likely pathogenic for Inborn genetic diseases. Last evaluated: 2025-12-14. Review status: criteria provided, single submitter. Criteria: Ambry Variant Classification Scheme 2023. Collection method: clinical testing. Allele origin: germline.
Comment: The c.2389_2410del22 (p.S797Gfs*31) alteration, located in exon 20 (coding exon 19) of the DAGLA gene, consists of a deletion of 22 nucleotides from position 2389 to 2410, causing a translational frameshift with a predicted alternate stop codon after 31 amino acids. This alteration occurs at the 3' terminus of the DAGLA gene and is not expected to trigger nonsense-mediated mRNA decay. This variant was not reported in population-based cohorts in the Genome Aggregation Database (gnomAD). This variant is located in a region of the gene where other de novo C-terminal NMD-escaping truncating variants have been reported in individuals with clinical features consistent with DAGLA-related neurodevelopmental disorder (Bainbridge, 2022). Based on the available evidence, this alteration is classified as likely pathogenic.

Literature cited by the submitters: PubMed 35737950.